The following is an entry in ClinVar:

NM_033087.4(ALG2):c.159C>T (p.His53=)

Gene: ALG2 (ALG2 alpha-1,3/1,6-mannosyltransferase; minus strand). Cytogenetic location: 9q22.33.
Variant type: single nucleotide variant.
Coding change: c.159C>T on transcript NM_033087.4 (MANE Select); coding-DNA position 159, C replaced by T.
Protein change: p.His53=; no amino-acid change (histidine 53 retained).
Molecular consequence: synonymous variant. On other transcripts: non-coding transcript variant (1).
Genome position (GRCh38, 1-based): chr9:99,221,736, G>A on the plus strand (C>T on the coding strand, the complement: ALG2 is on the minus strand). VCF-style: chr9-99221736-G-A. GRCh37 (hg19) VCF-style: chr9-101984018-G-A.
Identifiers: ClinVar variation 364213 (VCV000364213.12), dbSNP rs527683080, ClinGen allele CA5156467.

ClinVar aggregate classification (germline): Likely benign. Review status: criteria provided, multiple submitters, no conflicts (2 of 4 stars). 3 submissions from 3 submitters: Likely benign (3). Last evaluated 2025-12-02.

Conditions:
Congenital disorder of glycosylation, type Ii. Also called: CDG Ii; ALG2-CDG; ALG2-congenital disorder of glycosylation. Identifiers: Orphanet 79326, MedGen C1842836, MONDO:0011933, OMIM 607906.
Congenital myasthenic syndrome 14. Also called: Myasthenic syndrome, congenital, 14, with tubular aggregates. Identifiers: Orphanet 353327, Orphanet 590, MedGen C4015597, MONDO:0014543, OMIM 616228.
ALG2-related disorder. Also called: ALG2-related condition.

Allele frequency attached by ClinVar (database versions not stated): gnomAD 0.00003 and 0.00005; 1000 Genomes Project 0.00020; gnomAD exomes 0.00023 and 0.00004; ExAC 0.00015; 1000 Genomes Project 30x 0.00031; TOPMed 0.00014.
gnomAD v4.1: 68 of 1,598,756 alleles (0.0043%); highest among the groups gnomAD compares: East Asian, 0.13%; no homozygotes.

Submissions (3):

Labcorp Genetics (formerly Invitae), Labcorp
Classification: Likely benign for Congenital disorder of glycosylation, type Ii; Congenital myasthenic syndrome 14. Last evaluated: 2025-12-02. Review status: criteria provided, single submitter. Criteria: Invitae Variant Classification Sherloc (09022015). Collection method: clinical testing. Allele origin: germline.

PreventionGenetics, part of Exact Sciences
Classification: Likely benign for ALG2-related condition. Last evaluated: 2025-01-07. Review status: criteria provided, single submitter. Criteria: ACMG Guidelines, 2015. Collection method: clinical testing. Allele origin: germline.
Comment: This variant is classified as likely benign based on ACMG/AMP sequence variant interpretation guidelines (Richards et al. 2015 PMID: 25741868, with internal and published modifications).

GeneDx
Classification: Likely benign. Last evaluated: 2017-11-10. Review status: criteria provided, single submitter. Criteria: GeneDx Variant Classification (06012015). Collection method: clinical testing. Allele origin: germline. Affected: yes.
Comment: This variant is considered likely benign or benign based on one or more of the following criteria: it is a conservative change, it occurs at a poorly conserved position in the protein, it is predicted to be benign by multiple in silico algorithms, and/or has population frequency not consistent with disease.